The following is an entry in ClinVar:

ClinVar aggregate classification (germline): Likely pathogenic (1 of 4 stars; one submission).

Conditions:
RPGRIP1L-related disorder. Also called: RPGRIP1L-related condition; RPGRIP1L-related disorders. Identifiers: MedGen CN239416.

Submission:

PreventionGenetics, part of Exact Sciences
Classification: Likely pathogenic for RPGRIP1L-related condition. Last evaluated: 2026-02-21. Review status: criteria provided, single submitter. Criteria: ACMG Guidelines, 2015. Collection method: clinical testing. Allele origin: germline.
Comment: The RPGRIP1L c.136dupA variant is predicted to result in a frameshift and premature protein termination (p.Ser46Lysfs*3). To our knowledge, this variant has not been reported in the literature or in a large population database (gnomAD), indicating this variant is rare. Frameshift variants in RPGRIP1L are expected to be pathogenic. This variant is interpreted as likely pathogenic.

NM_015272.5(RPGRIP1L):c.136dup (p.Ser46fs)

Gene: RPGRIP1L (RPGRIP1 like; minus strand). Cytogenetic location: 16q12.2.
Variant type: Duplication.
Coding change: c.136dup on transcript NM_015272.5 (MANE Select); coding-DNA position 136, one base duplicated (A; older notation c.136dupA).
Protein change: p.Ser46fs; shifts the reading frame from serine 46.
Molecular consequence: frameshift variant.
Genome position (GRCh38, 1-based): chr16:53,696,245, T duplicated on the plus strand (A on the coding strand, the reverse complement: RPGRIP1L is on the minus strand). VCF-style (leftmost placement, unchanged base first): chr16-53696244-C-CT. GRCh37 (hg19) VCF-style: chr16-53730156-C-CT.
Other names: c.136dup, p.Ser46fs (NM_001127897.4, NM_001308334.3, NM_001328422.2 and 2 more transcripts); short protein forms S46fs.
Identifiers: ClinVar variation 4983220 (VCV004983220.1).